The following is an entry in ClinVar:

NM_152372.4(MYOM3):c.1710G>A (p.Ser570=)

Gene: MYOM3 (myomesin 3; minus strand). Cytogenetic location: 1p36.11.
Variant type: single nucleotide variant.
Coding change: c.1710G>A on transcript NM_152372.4 (MANE Select); coding-DNA position 1710, G replaced by A.
Protein change: p.Ser570=; no amino-acid change (serine 570 retained).
Molecular consequence: synonymous variant.
Genome position (GRCh38, 1-based): chr1:24,086,732, C>T on the plus strand (G>A on the coding strand, the complement: MYOM3 is on the minus strand). VCF-style: chr1-24086732-C-T. GRCh37 (hg19) VCF-style: chr1-24413222-C-T.
Identifiers: ClinVar variation 2638491 (VCV002638491.24), dbSNP rs200272032, ClinGen allele CA688026.

ClinVar aggregate classification (germline): Likely benign (1 of 4 stars; one submission).

Allele frequency attached by ClinVar (database versions not stated): ESP Exome Variant Server 0.00008; TOPMed 0.00009; gnomAD 0.00011; 1000 Genomes Project 30x 0.00016; 1000 Genomes Project 0.00020.
gnomAD v4.1: 198 of 1,614,168 alleles (0.012%); highest among the groups gnomAD compares: Non-Finnish European, 0.014%; no homozygotes.

Submission:

CeGaT Center for Human Genetics Tuebingen
Classification: Likely benign. Last evaluated: 2023-04-01. Review status: criteria provided, single submitter. Criteria: CeGaT Center For Human Genetics Tuebingen Variant Classification Criteria Version 2. Collection method: clinical testing. Allele origin: germline. Affected: yes. Observed: 1 variant allele.
Comment: MYOM3: BP4, BP7